The following is an entry in ClinVar:

NM_001393586.1(MYO7B):c.1189G>T (p.Ala397Ser)

Gene: MYO7B (myosin VIIB; plus strand). Cytogenetic location: 2q14.3.
Variant type: single nucleotide variant.
Coding change: c.1189G>T on transcript NM_001393586.1 (MANE Select); coding-DNA position 1189, G replaced by T.
Protein change: p.Ala397Ser; replaces alanine 397 with serine.
Molecular consequence: missense variant.
Genome position (GRCh38, 1-based): chr2:127,581,999, G>T. VCF-style: chr2-127581999-G-T. GRCh37 (hg19) VCF-style: chr2-128339574-G-T.
Other names: c.1189G>T, p.Ala397Ser (NM_001080527.2); short protein forms A397S.
Identifiers: ClinVar variation 3061319 (VCV003061319.2), dbSNP rs781630446, ClinGen allele CA348412685.

ClinVar aggregate classification (germline): Uncertain significance (0 of 4 stars; one submission).

Conditions:
MYO7B-related disorder. Also called: MYO7B-related condition.

gnomAD v4.1: 2 of 1,613,806 alleles (0.00012%); highest among the groups gnomAD compares: South Asian, 0.0011%; no homozygotes.

Submission:

PreventionGenetics, part of Exact Sciences
Classification: Uncertain significance for MYO7B-related condition. Last evaluated: 2024-02-12. Review status: no assertion criteria provided. Collection method: clinical testing. Allele origin: germline.
Comment: The MYO7B c.1189G>T variant is predicted to result in the amino acid substitution p.Ala397Ser. To our knowledge, this variant has not been reported in the literature or in a large population database, indicating this variant is rare. At this time, the clinical significance of this variant is uncertain due to the absence of conclusive functional and genetic evidence.